The following is an entry in ClinVar:

ClinVar aggregate classification (germline): Uncertain significance. Review status: criteria provided, multiple submitters, no conflicts (2 of 4 stars). 3 submissions from 3 submitters: Uncertain significance (3). Last evaluated 2026-01-21.

Conditions:
von Willebrand disease type 3 (VWD3). Also called: Type 3 Von Willebrand's disease; Type 3 VWD; Von Willebrand disease, severe form; V WD3; VON WILLEBRAND DISEASE, TYPE III. Identifiers: Orphanet 166096, MedGen C1264041, MONDO:0010191, OMIM 277480.
von Willebrand disease type 2 (VWD2). Also called: VON WILLEBRAND DISEASE, TYPE 2A/IIE; VON WILLEBRAND DISEASE, TYPE 2CB; VON WILLEBRAND DISEASE, TYPE II; VWD, TYPE 2. Identifiers: Orphanet 166081, Orphanet 903, MedGen C1264040, MONDO:0013304, OMIM 613554.
von Willebrand disease type 1 (VWD1). Also called: VON WILLEBRAND DISEASE, TYPE I; VWD, TYPE 1. Identifiers: Orphanet 166078, Orphanet 903, MedGen C1264039, MONDO:0008668, OMIM 193400. Inheritance: autosomal recessive or autosomal dominant.

gnomAD v4.1: 50 of 1,614,008 alleles (0.0031%); highest among the groups gnomAD compares: Non-Finnish European, 0.0037%; no homozygotes.

Submissions (3):

GeneDx
Classification: Uncertain significance. Last evaluated: 2026-01-21. Review status: criteria provided, single submitter. Criteria: GeneDx Variant Classification Process June 2021. Collection method: clinical testing. Allele origin: germline.
Comment: Not observed at significant frequency in large population cohorts (gnomAD); In silico analysis suggests that this missense variant does not alter protein structure/function; Has not been previously published as pathogenic or benign to our knowledge

Women's Health and Genetics/Laboratory Corporation of America, LabCorp
Classification: Uncertain significance. Last evaluated: 2025-03-24. Review status: criteria provided, single submitter. Criteria: LabCorp Variant Classification Summary - May 2015. Collection method: clinical testing. Allele origin: germline.
Comment: Variant summary: VWF c.845T>C (p.Leu282Pro) results in a non-conservative amino acid change located in the VWF/SSPO/Zonadhesin-like, cysteine-rich domain (IPR014853) of the encoded protein sequence. Three of five in-silico tools predict a damaging effect of the variant on protein function. The variant allele was found at a frequency of 3.1e-05 in 1607012 control chromosomes (gnomAD v4.1). This frequency is not significantly higher than estimated for a pathogenic variant in VWF causing Von Willebrand Disease, allowing no conclusion about variant significance. To our knowledge, no occurrence of c.845T>C in individuals affected with Von Willebrand Disease and no experimental evidence demonstrating its impact on protein function have been reported. No submitters have cited clinical-significance assessments for this variant to ClinVar. Based on the evidence outlined above, the variant was classified as uncertain significance.

Department of Pathology and Laboratory Medicine, Sinai Health System
Classification: Uncertain significance for von Willebrand disease type 1; von Willebrand disease type 3; von Willebrand disease type 2. Last evaluated: 2021-07-30. Review status: criteria provided, single submitter. Criteria: ACMG Guidelines, 2015. Collection method: research. Allele origin: germline.

NM_000552.5(VWF):c.845T>C (p.Leu282Pro)

Gene: VWF (von Willebrand factor; minus strand). Cytogenetic location: 12p13.31.
Variant type: single nucleotide variant.
Coding change: c.845T>C on transcript NM_000552.5 (MANE Select); coding-DNA position 845, T replaced by C.
Protein change: p.Leu282Pro; replaces leucine 282 with proline.
Molecular consequence: missense variant.
Genome position (GRCh38, 1-based): chr12:6,075,364, A>G on the plus strand (T>C on the coding strand, the complement: VWF is on the minus strand). VCF-style: chr12-6075364-A-G. GRCh37 (hg19) VCF-style: chr12-6184530-A-G.
Other names: c.845T>C (NM_000552.3); short protein forms L282P.
Identifiers: ClinVar variation 3892871 (VCV003892871.3).